The following is an entry in ClinVar:

ClinVar aggregate classification (germline): Uncertain significance (1 of 4 stars; one submission).

Submission:

Labcorp Genetics (formerly Invitae), Labcorp
Classification: Uncertain significance. Last evaluated: 2023-05-11. Review status: criteria provided, single submitter. Criteria: Invitae Variant Classification Sherloc (09022015). Collection method: clinical testing. Allele origin: germline.
Comment: In summary, the available evidence is currently insufficient to determine the role of this variant in disease. Therefore, it has been classified as a Variant of Uncertain Significance. Algorithms developed to predict the effect of sequence changes on RNA splicing suggest that this variant may disrupt the consensus splice site. This variant has not been reported in the literature in individuals affected with NEDD4L-related conditions. This variant is not present in population databases (gnomAD no frequency). This sequence change affects an acceptor splice site in intron 16 of the NEDD4L gene. It is expected to disrupt RNA splicing. Variants that disrupt the donor or acceptor splice site typically lead to a loss of protein function (PMID: 16199547), however the current clinical and genetic evidence is not sufficient to establish whether loss-of-function variants in NEDD4L cause disease.

Literature cited by the submitters: PubMed 16199547.

NM_001144967.3(NEDD4L):c.1654-1G>A

Gene: NEDD4L (NEDD4 like E3 ubiquitin protein ligase; plus strand). Cytogenetic location: 18q21.31.
Variant type: single nucleotide variant.
Coding change: c.1654-1G>A on transcript NM_001144967.3 (MANE Select); the canonical splice acceptor site of the intron before coding-DNA position 1654, G replaced by A.
Molecular consequence: splice acceptor variant.
Genome position (GRCh38, 1-based): chr18:58,350,990, G>A. VCF-style: chr18-58350990-G-A. GRCh37 (hg19) VCF-style: chr18-56018222-G-A.
Other names: c.1594-1G>A (NM_015277.6); c.1462-1G>A (NM_001243960.2); c.1291-1G>A (NM_001144964.1, NM_001144965.2, NM_001144966.3); c.1231-1G>A (NM_001144971.2, NM_001144970.3); c.1630-1G>A (NM_001144968.2); c.1570-1G>A (NM_001144969.2).
Identifiers: ClinVar variation 2863472 (VCV002863472.3), dbSNP rs2517183974, ClinGen allele CA402540758.